The following is an entry in ClinVar:

ClinVar aggregate classification (germline): Uncertain significance (1 of 4 stars; one submission).

Conditions:
Aortic aneurysm, familial thoracic 7 (AAT7). Also called: AORTIC DISSECTION, FAMILIAL, WITH OR WITHOUT AORTIC ANEURYSM. Identifiers: MedGen C3151077, MONDO:0013418, OMIM 613780.

Submission:

Labcorp Genetics (formerly Invitae), Labcorp
Classification: Uncertain significance for Aortic aneurysm, familial thoracic 7. Last evaluated: 2024-12-09. Review status: criteria provided, single submitter. Criteria: Invitae Variant Classification Sherloc (09022015). Collection method: clinical testing. Allele origin: germline.
Comment: This sequence change replaces tyrosine, which is neutral and polar, with histidine, which is basic and polar, at codon 611 of the MYLK protein (p.Tyr611His). This variant is not present in population databases (gnomAD no frequency). This variant has not been reported in the literature in individuals affected with MYLK-related conditions. ClinVar contains an entry for this variant (Variation ID: 2785057). Invitae Evidence Modeling of protein sequence and biophysical properties (such as structural, functional, and spatial information, amino acid conservation, physicochemical variation, residue mobility, and thermodynamic stability) indicates that this missense variant is not expected to disrupt MYLK protein function with a negative predictive value of 80%. In summary, the available evidence is currently insufficient to determine the role of this variant in disease. Therefore, it has been classified as a Variant of Uncertain Significance.

NM_053025.4(MYLK):c.1831T>C (p.Tyr611His)

Gene: MYLK (myosin light chain kinase; minus strand). Cytogenetic location: 3q21.1.
Variant type: single nucleotide variant.
Coding change: c.1831T>C on transcript NM_053025.4 (MANE Select); coding-DNA position 1831, T replaced by C.
Protein change: p.Tyr611His; replaces tyrosine 611 with histidine.
Molecular consequence: missense variant.
Genome position (GRCh38, 1-based): chr3:123,709,867, A>G on the plus strand (T>C on the coding strand, the complement: MYLK is on the minus strand). VCF-style: chr3-123709867-A-G. GRCh37 (hg19) VCF-style: chr3-123428714-A-G.
Other names: c.1303T>C, p.Tyr435His (NM_001321309.2); c.1624T>C, p.Tyr542His (NM_053026.4, NM_053028.4); c.1831T>C, p.Tyr611His (NM_053027.4); short protein forms Y435H, Y542H, Y611H.
Identifiers: ClinVar variation 2785057 (VCV002785057.3), dbSNP rs2474323900, ClinGen allele CA354235127.